The following is an entry in ClinVar:

NM_000051.4(ATM):c.3074T>G (p.Phe1025Cys)

Gene: ATM (ATM serine/threonine kinase; plus strand). Cytogenetic location: 11q22.3.
Variant type: single nucleotide variant.
Coding change: c.3074T>G on transcript NM_000051.4 (MANE Select); coding-DNA position 3074, T replaced by G.
Protein change: p.Phe1025Cys; replaces phenylalanine 1025 with cysteine.
Molecular consequence: missense variant.
Genome position (GRCh38, 1-based): chr11:108,271,403, T>G. VCF-style: chr11-108271403-T-G. GRCh37 (hg19) VCF-style: chr11-108142130-T-G.
Other names: c.3074T>G, p.Phe1025Cys (NM_001351834.2); short protein forms F1025C.
Identifiers: ClinVar variation 453445 (VCV000453445.11), dbSNP rs1555085266, ClinGen allele CA382547706.

ClinVar aggregate classification (germline): Uncertain significance. Review status: criteria provided, multiple submitters, no conflicts (2 of 4 stars). 2 submissions from 2 submitters: Uncertain significance (2). Last evaluated 2023-03-16.

Conditions:
Hereditary cancer-predisposing syndrome. Also called: Tumor predisposition; Hereditary Cancer Syndrome; Neoplastic Syndromes, Hereditary; Hereditary neoplastic syndrome. Identifiers: Orphanet 140162, MedGen C0027672, MeSH D009386, MONDO:0015356.
Ataxia-telangiectasia syndrome (AT). Also called: Cerebello-oculocutaneous telangiectasia; Immunodeficiency with ataxia telangiectasia; Ataxia-telangiectasia, complementation group D; AT, COMPLEMENTATION GROUP C; Ataxia-telangiectasia, complementation group E; LOUIS-BAR SYNDROME. Identifiers: Orphanet 100, MedGen C0004135, MONDO:0008840, OMIM 208900.

Submissions (2):

Labcorp Genetics (formerly Invitae), Labcorp
Classification: Uncertain significance for Ataxia-telangiectasia syndrome. Last evaluated: 2023-03-16. Review status: criteria provided, single submitter. Criteria: Invitae Variant Classification Sherloc (09022015). Collection method: clinical testing. Allele origin: germline.
Comment: This sequence change replaces phenylalanine, which is neutral and non-polar, with cysteine, which is neutral and slightly polar, at codon 1025 of the ATM protein (p.Phe1025Cys). ClinVar contains an entry for this variant (Variation ID: 453445). In summary, the available evidence is currently insufficient to determine the role of this variant in disease. Therefore, it has been classified as a Variant of Uncertain Significance. An algorithm developed to predict the effect of missense changes on protein structure and function (PolyPhen-2) suggests that this variant is likely to be disruptive. This variant has not been reported in the literature in individuals affected with ATM-related conditions. This variant is not present in population databases (gnomAD no frequency).

Ambry Genetics
Classification: Uncertain significance for Hereditary cancer-predisposing syndrome. Last evaluated: 2022-03-20. Review status: criteria provided, single submitter. Criteria: Ambry Variant Classification Scheme 2023. Collection method: clinical testing. Allele origin: germline.
Comment: The p.F1025C variant (also known as c.3074T>G), located in coding exon 19 of the ATM gene, results from a T to G substitution at nucleotide position 3074. The phenylalanine at codon 1025 is replaced by cysteine, an amino acid with highly dissimilar properties. This amino acid position is conserved. In addition, this alteration is predicted to be deleterious by in silico analysis. Since supporting evidence is limited at this time, the clinical significance of this alteration remains unclear.